The following is an entry in ClinVar:

ClinVar aggregate classification (germline): Uncertain significance. Review status: criteria provided, multiple submitters, no conflicts (2 of 4 stars). 3 submissions from 3 submitters: Uncertain significance (3). Last evaluated 2025-01-06.

Conditions:
Multiple congenital anomalies-hypotonia-seizures syndrome 1 (MCAHS1). Also called: PIGN-CDG; Congenital disorder of glycosylation due to PIGN deficiency; GLYCOSYLPHOSPHATIDYLINOSITOL BIOSYNTHESIS DEFECT 3. Identifiers: Orphanet 280633, MedGen C3279775, MONDO:0013563, OMIM 614080.
Inborn genetic diseases. Identifiers: MedGen C0950123, MeSH D030342.

Allele frequency attached by ClinVar (database versions not stated): gnomAD 0.00001; TOPMed 0.00002; gnomAD exomes 0.00002.
gnomAD v4.1: 39 of 1,611,126 alleles (0.0024%); highest among the groups gnomAD compares: Non-Finnish European, 0.0031%; no homozygotes.

Submissions (3):

GeneDx
Classification: Uncertain significance. Last evaluated: 2025-01-06. Review status: criteria provided, single submitter. Criteria: GeneDx Variant Classification Process June 2021. Collection method: clinical testing. Allele origin: germline. Affected: yes.
Comment: Not observed at significant frequency in large population cohorts (gnomAD); In silico analysis indicates that this missense variant does not alter protein structure/function; Has not been previously published as pathogenic or benign to our knowledge

Ambry Genetics
Classification: Uncertain significance for Inborn genetic diseases. Last evaluated: 2024-07-17. Review status: criteria provided, single submitter. Criteria: Ambry Variant Classification Scheme 2023. Collection method: clinical testing. Allele origin: germline.

Labcorp Genetics (formerly Invitae), Labcorp
Classification: Uncertain significance for Multiple congenital anomalies-hypotonia-seizures syndrome 1. Last evaluated: 2021-10-04. Review status: criteria provided, single submitter. Criteria: Invitae Variant Classification Sherloc (09022015). Collection method: clinical testing. Allele origin: germline.
Comment: This sequence change replaces histidine with glutamine at codon 426 of the PIGN protein (p.His426Gln). The histidine residue is weakly conserved and there is a small physicochemical difference between histidine and glutamine. This variant is not present in population databases (ExAC no frequency). This variant has not been reported in the literature in individuals affected with PIGN-related conditions. Algorithms developed to predict the effect of missense changes on protein structure and function output the following: SIFT: "Tolerated"; PolyPhen-2: "Benign"; Align-GVGD: "Class C0". The glutamine amino acid residue is found in multiple mammalian species, which suggests that this missense change does not adversely affect protein function. In summary, the available evidence is currently insufficient to determine the role of this variant in disease. Therefore, it has been classified as a Variant of Uncertain Significance.

NM_176787.5(PIGN):c.1278T>A (p.His426Gln)

Gene: PIGN (phosphatidylinositol glycan anchor biosynthesis class N; minus strand). Cytogenetic location: 18q21.33.
Variant type: single nucleotide variant.
Coding change: c.1278T>A on transcript NM_176787.5 (MANE Select); coding-DNA position 1278, T replaced by A.
Protein change: p.His426Gln; replaces histidine 426 with glutamine.
Molecular consequence: missense variant.
Genome position (GRCh38, 1-based): chr18:62,113,290, A>T on the plus strand (T>A on the coding strand, the complement: PIGN is on the minus strand). VCF-style: chr18-62113290-A-T. GRCh37 (hg19) VCF-style: chr18-59780523-A-T.
Other names: c.1278T>A, p.His426Gln (NM_012327.6); short protein forms H426Q.
Identifiers: ClinVar variation 661560 (VCV000661560.7), dbSNP rs1289460027, ClinGen allele CA402605986.
Genomic context (GRCh38, chr18:62,113,290, plus strand): 5'-ATTGACGCCCAAAAAGAATCTGTCATATGTGTGATAATAGGACAATCCTTTCAATGCAAG[A>T]TGAATTAGCTCCTTGCAAAGGGAGACCTATGGAGAAAAAACATATATAACTTGCTAACAG-3'
Protein context (NP_789744.1, residues 416-436): EVVSLCKELI[His426Gln]LALKGLSYYH